The following is an entry in ClinVar:

NM_004415.4(DSP):c.8319_8341del (p.Leu2774fs)

Gene: DSP (desmoplakin; plus strand). Cytogenetic location: 6p24.3.
Variant type: Deletion.
Coding change: c.8319_8341del on transcript NM_004415.4 (MANE Select); coding-DNA positions 8319 to 8341, 23 bases deleted (CCTGACCTGCCCCAAAACCAAAT).
Protein change: p.Leu2774fs; shifts the reading frame from leucine 2774.
Molecular consequence: frameshift variant.
Genome position (GRCh38, 1-based): chr6:7,585,581-7,585,603, CCTGACCTGCCCCAAAACCAAAT deleted; deleting any 23 consecutive bases within chr6:7,585,577-7,585,603 gives the same sequence; the c. name uses the placement nearest the transcript's 3' end. VCF-style (leftmost placement, unchanged base first): chr6-7585576-AAAATCCTGACCTGCCCCAAAACC-A. GRCh37 (hg19) VCF-style: chr6-7585809-AAAATCCTGACCTGCCCCAAAACC-A.
Other names: c.6522_6544del, p.Leu2175fs (NM_001008844.3); c.6990_7012del, p.Leu2331fs (NM_001319034.2); short protein forms L2175fs, L2331fs, L2774fs.
Identifiers: ClinVar variation 1364875 (VCV001364875.8), dbSNP rs2113704840, ClinGen allele CA2573140824.

ClinVar aggregate classification (germline): Uncertain significance (1 of 4 stars; one submission).

Conditions:
Arrhythmogenic cardiomyopathy with wooly hair and keratoderma. Also called: Arrhythmogenic cardiomyopathy with woolly hair and keratoderma; Carvajal syndrome; PALMOPLANTAR KERATODERMA WITH LEFT VENTRICULAR CARDIOMYOPATHY AND WOOLLY HAIR; Dilated cardiomyopathy with woolly hair and keratoderma. Identifiers: Orphanet 65282, MedGen C1854063, MONDO:0011581, OMIM 605676.
Arrhythmogenic right ventricular dysplasia 8 (ARVD8). Also called: Arrhythmogenic Right Ventricular Dysplasia/Cardiomyopathy 8; ARRHYTHMOGENIC RIGHT VENTRICULAR DYSPLASIA, FAMILIAL, 8; ARRHYTHMOGENIC RIGHT VENTRICULAR CARDIOMYOPATHY 8. Identifiers: MedGen C1843896, MONDO:0011831, OMIM 607450.

Submission:

Labcorp Genetics (formerly Invitae), Labcorp
Classification: Uncertain significance for Arrhythmogenic cardiomyopathy with wooly hair and keratoderma; Arrhythmogenic right ventricular dysplasia 8. Last evaluated: 2021-06-05. Review status: criteria provided, single submitter. Criteria: Invitae Variant Classification Sherloc (09022015). Collection method: clinical testing. Allele origin: germline.
Comment: This variant disrupts a region of the protein in which other variant(s) (p.Arg2834His) have been observed in individuals with DSP-related conditions (PMID: 16917092). This suggests that this may be a clinically significant region of the DSP protein. This sequence change creates a premature translational stop signal (p.Leu2774Lysfs*5) in the DSP gene. While this is not anticipated to result in nonsense mediated decay, it is expected to disrupt the last 98 amino acid(s) of the DSP protein. This variant is not present in population databases (ExAC no frequency). This variant has not been reported in the literature in individuals with DSP-related conditions. Experimental studies and prediction algorithms are not available or were not evaluated, and the functional significance of this variant is currently unknown. In summary, the available evidence is currently insufficient to determine the role of this variant in disease. Therefore, it has been classified as a Variant of Uncertain Significance.

Literature cited by the submitters: PubMed 16917092.